The following is an entry in ClinVar:

NM_004655.4(AXIN2):c.1201-16A>G

Gene: AXIN2 (axin 2; minus strand). Cytogenetic location: 17q24.1.
Variant type: single nucleotide variant.
Coding change: c.1201-16A>G on transcript NM_004655.4 (MANE Select); 16 bases into the intron before coding-DNA position 1201, A replaced by G.
Molecular consequence: intron variant.
Genome position (GRCh38, 1-based): chr17:65,537,851, T>C on the plus strand (A>G on the coding strand, the complement: AXIN2 is on the minus strand). VCF-style: chr17-65537851-T-C. GRCh37 (hg19) VCF-style: chr17-63533969-T-C.
Other names: c.1201-16A>G (NM_001363813.1).
Identifiers: ClinVar variation 1637475 (VCV001637475.9), dbSNP rs2043964180, ClinGen allele CA2270884370.

ClinVar aggregate classification (germline): Likely benign. Review status: criteria provided, multiple submitters, no conflicts (2 of 4 stars). 2 submissions from 2 submitters: Likely benign (2). Last evaluated 2024-07-01.

Conditions:
Oligodontia-cancer predisposition syndrome. Also called: TOOTH AGENESIS-COLORECTAL CANCER SYNDROME. Identifiers: Orphanet 300576, MedGen C1837750, MONDO:0012075, OMIM 608615. Disease mechanism: loss of function.

Allele frequency attached by ClinVar (database versions not stated): TOPMed below 0.00001.
gnomAD v4.1: 13 of 1,533,698 alleles (0.00085%); highest among the groups gnomAD compares: Non-Finnish European, 0.0011%; no homozygotes.

Submissions (2):

Myriad Genetics, Inc.
Classification: Likely benign for Oligodontia-cancer predisposition syndrome. Last evaluated: 2024-07-01. Review status: criteria provided, single submitter. Criteria: Myriad Autosomal Dominant, Autosomal Recessive and X-Linked Classification Criteria (2023). Collection method: clinical testing. Allele origin: unknown.
Comment: This variant is considered likely benign. This variant is intronic and is not expected to impact mRNA splicing.

Labcorp Genetics (formerly Invitae), Labcorp
Classification: Likely benign for Oligodontia-cancer predisposition syndrome. Last evaluated: 2024-04-18. Review status: criteria provided, single submitter. Criteria: Invitae Variant Classification Sherloc (09022015). Collection method: clinical testing. Allele origin: germline.